The following is an entry in ClinVar:

NM_133433.4(NIPBL):c.3647T>C (p.Met1216Thr)

Gene: NIPBL (NIPBL cohesin loading factor; plus strand). Cytogenetic location: 5p13.2.
Variant type: single nucleotide variant.
Coding change: c.3647T>C on transcript NM_133433.4 (MANE Select); coding-DNA position 3647, T replaced by C.
Protein change: p.Met1216Thr; replaces methionine 1216 with threonine.
Molecular consequence: missense variant.
Genome position (GRCh38, 1-based): chr5:37,001,061, T>C. VCF-style: chr5-37001061-T-C. GRCh37 (hg19) VCF-style: chr5-37001163-T-C.
Other names: c.3647T>C, p.Met1216Thr (NM_015384.5); short protein forms M1216T.
Identifiers: ClinVar variation 3592288 (VCV003592288.3).

ClinVar aggregate classification (germline): Uncertain significance. Review status: criteria provided, multiple submitters, no conflicts (2 of 4 stars). 2 submissions from 2 submitters: Uncertain significance (2). Last evaluated 2025-09-10.

Conditions:
Cornelia de Lange syndrome 1 (CDLS1). Also called: TYPUS DEGENERATIVUS AMSTELODAMENSIS; Brachmann de Lange syndrome; NIPBL-Related Cornelia de Lange Syndrome. Identifiers: Orphanet 199, MedGen C4551851, MONDO:0007387, OMIM 122470.

Submissions (2):

Labcorp Genetics (formerly Invitae), Labcorp
Classification: Uncertain significance for Cornelia de Lange syndrome 1. Last evaluated: 2025-09-10. Review status: criteria provided, single submitter. Criteria: Invitae Variant Classification Sherloc (09022015). Collection method: clinical testing. Allele origin: germline.
Comment: This sequence change replaces methionine, which is neutral and non-polar, with threonine, which is neutral and polar, at codon 1216 of the NIPBL protein (p.Met1216Thr). This variant is present in population databases (rs756562931, gnomAD 0.006%). This variant has not been reported in the literature in individuals affected with NIPBL-related conditions. ClinVar contains an entry for this variant (Variation ID: 3592288). Invitae Evidence Modeling of protein sequence and biophysical properties (such as structural, functional, and spatial information, amino acid conservation, physicochemical variation, residue mobility, and thermodynamic stability) has been performed for this missense variant. However, the output from this modeling did not meet the statistical confidence thresholds required to predict the impact of this variant on NIPBL protein function. In summary, the available evidence is currently insufficient to determine the role of this variant in disease. Therefore, it has been classified as a Variant of Uncertain Significance.

Fulgent Genetics
Classification: Uncertain significance for Cornelia de Lange syndrome 1. Last evaluated: 2024-05-02. Review status: criteria provided, single submitter. Criteria: ACMG Guidelines, 2015. Collection method: clinical testing. Allele origin: germline.